The following is an entry in ClinVar:

ClinVar aggregate classification (germline): Benign (1 of 4 stars; one submission).

Conditions:
Frontotemporal dementia and/or amyotrophic lateral sclerosis 1 (FTDALS1). Also called: Frontotemporal dementia with motor neuron disease 1; C9orf72 Frontotemporal Dementia and/or Amyotrophic Lateral Sclerosis. Identifiers: Orphanet 275872, MedGen C5779877, MONDO:0007105, OMIM 105550.

Allele frequency attached by ClinVar (database versions not stated): 1000 Genomes Project 0.00100; 1000 Genomes Project 30x 0.00109; TOPMed 0.00109; gnomAD 0.00118.

Submission:

Illumina Laboratory Services, Illumina
Classification: Benign for Frontotemporal dementia and/or amyotrophic lateral sclerosis 1. Last evaluated: 2018-01-13. Review status: criteria provided, single submitter. Criteria: ICSL Variant Classification Criteria 13 December 2019. Collection method: clinical testing. Allele origin: germline.
Comment: This variant was observed in the ICSL laboratory as part of a predisposition screen in an ostensibly healthy population. It had not been previously curated by ICSL or reported in the Human Gene Mutation Database (HGMD: prior to June 1st, 2018), and was therefore a candidate for classification through an automated scoring system. Utilizing variant allele frequency, disease prevalence and penetrance estimates, and inheritance mode, an automated score was calculated to assess if this variant is too frequent to cause the disease. Based on the score and internal cut-off values, a variant classified as benign is not then subjected to further curation. The score for this variant resulted in a classification of benign for this disease.

NM_018325.5(C9orf72):c.*914A>G

Gene: C9orf72 (C9orf72-SMCR8 complex subunit; minus strand). Cytogenetic location: 9p21.2.
Variant type: single nucleotide variant.
Coding change: c.*914A>G on transcript NM_018325.5 (MANE Select); 914 bases downstream of the stop codon, A replaced by G.
Molecular consequence: 3 prime UTR variant.
Genome position (GRCh38, 1-based): chr9:27,547,322, T>C on the plus strand (A>G on the coding strand, the complement: C9orf72 is on the minus strand). VCF-style: chr9-27547322-T-C. GRCh37 (hg19) VCF-style: chr9-27547320-T-C.
Other names: c.*914A>G (NM_001256054.3).
Identifiers: ClinVar variation 366491 (VCV000366491.5), dbSNP rs561651779, ClinGen allele CA10633758.